The following is an entry in ClinVar:

NM_001379500.1(COL18A1):c.3317G>A (p.Arg1106Gln)

Genes: COL18A1 (collagen type XVIII alpha 1 chain; plus strand), SLC19A1 (solute carrier family 19 member 1; minus strand). Cytogenetic location: 21q22.3.
Variant type: single nucleotide variant.
Coding change: c.3317G>A on transcript NM_001379500.1 (MANE Select); coding-DNA position 3317, G replaced by A.
Protein change: p.Arg1106Gln; replaces arginine 1106 with glutamine.
Molecular consequence: missense variant.
Genome position (GRCh38, 1-based): chr21:45,509,423, G>A. VCF-style: chr21-45509423-G-A. GRCh37 (hg19) VCF-style: chr21-46929337-G-A.
Other names: c.3848G>A, p.Arg1283Gln (NM_030582.4); c.4553G>A, p.Arg1518Gln (NM_130444.3); short protein forms R1106Q, R1283Q, R1518Q.
Identifiers: ClinVar variation 1297031 (VCV001297031.5), dbSNP rs752092795, ClinGen allele CA10067853.

ClinVar aggregate classification (germline): Uncertain significance. Review status: criteria provided, multiple submitters, no conflicts (2 of 4 stars). 2 submissions from 2 submitters: Uncertain significance (2). Last evaluated 2023-10-03.

Conditions:
Knobloch syndrome (KNO). Also called: Myopia retinal detachment encephalocele; RETINAL DETACHMENT AND OCCIPITAL ENCEPHALOCELE. Identifiers: Orphanet 1571, MedGen C1849409, MONDO:0800166.

Allele frequency attached by ClinVar (database versions not stated): gnomAD exomes 0.00008; gnomAD 0.00003; TOPMed 0.00005; ExAC 0.00017.
gnomAD v4.1: 65 of 1,538,156 alleles (0.0042%); highest among the groups gnomAD compares: East Asian, 0.061%; no homozygotes.

Submissions (2):

Labcorp Genetics (formerly Invitae), Labcorp
Classification: Uncertain significance. Last evaluated: 2023-10-03. Review status: criteria provided, single submitter. Criteria: Invitae Variant Classification Sherloc (09022015). Collection method: clinical testing. Allele origin: germline.
Comment: This sequence change replaces arginine, which is basic and polar, with glutamine, which is neutral and polar, at codon 1103 of the COL18A1 protein (p.Arg1103Gln). This variant is present in population databases (rs752092795, gnomAD 0.08%). This variant has not been reported in the literature in individuals affected with COL18A1-related conditions. ClinVar contains an entry for this variant (Variation ID: 1297031). Experimental studies and prediction algorithms are not available or were not evaluated, and the functional significance of this variant is currently unknown. In summary, the available evidence is currently insufficient to determine the role of this variant in disease. Therefore, it has been classified as a Variant of Uncertain Significance.

Institute of Human Genetics, University of Leipzig Medical Center
Classification: Uncertain significance for Knobloch syndrome 1. Last evaluated: 2021-08-26. Review status: criteria provided, single submitter. Criteria: ACMG Guidelines, 2015. Collection method: clinical testing. Allele origin: paternal. Affected: yes.
Comment: This variant was identified as compound heterozygous with NM_130444.3:c.4546_4547delinsTG.